The following is an entry in ClinVar:

ClinVar aggregate classification (germline): Uncertain significance. Review status: criteria provided, multiple submitters, no conflicts (2 of 4 stars). 2 submissions from 2 submitters: Uncertain significance (2). Last evaluated 2024-05-20.

Conditions:
Inborn genetic diseases. Identifiers: MedGen C0950123, MeSH D030342.

Allele frequency attached by ClinVar (database versions not stated): TOPMed 0.00001.
gnomAD v4.1: 2 of 1,614,120 alleles (0.00012%); highest among the groups gnomAD compares: African/African-American, 0.0027%; no homozygotes.

Submissions (2):

Ambry Genetics
Classification: Uncertain significance for Inborn genetic diseases. Last evaluated: 2024-05-20. Review status: criteria provided, single submitter. Criteria: Ambry Variant Classification Scheme 2023. Collection method: clinical testing. Allele origin: germline.

Labcorp Genetics (formerly Invitae), Labcorp
Classification: Uncertain significance. Last evaluated: 2022-10-25. Review status: criteria provided, single submitter. Criteria: Invitae Variant Classification Sherloc (09022015). Collection method: clinical testing. Allele origin: germline.
Comment: ClinVar contains an entry for this variant (Variation ID: 1025116). Algorithms developed to predict the effect of missense changes on protein structure and function output the following: SIFT: "Tolerated"; PolyPhen-2: "Benign"; Align-GVGD: "Class C0". The glycine amino acid residue is found in multiple mammalian species, which suggests that this missense change does not adversely affect protein function. In summary, the available evidence is currently insufficient to determine the role of this variant in disease. Therefore, it has been classified as a Variant of Uncertain Significance. This variant has not been reported in the literature in individuals affected with RGS9-related conditions. This sequence change replaces serine, which is neutral and polar, with glycine, which is neutral and non-polar, at codon 53 of the RGS9 protein (p.Ser53Gly). This variant is not present in population databases (gnomAD no frequency).

NM_003835.4(RGS9):c.157A>G (p.Ser53Gly)

Gene: RGS9 (regulator of G protein signaling 9; plus strand). Cytogenetic location: 17q24.1.
Variant type: single nucleotide variant.
Coding change: c.157A>G on transcript NM_003835.4 (MANE Select); coding-DNA position 157, A replaced by G.
Protein change: p.Ser53Gly; replaces serine 53 with glycine.
Molecular consequence: missense variant.
Genome position (GRCh38, 1-based): chr17:65,158,297, A>G. VCF-style: chr17-65158297-A-G. GRCh37 (hg19) VCF-style: chr17-63154415-A-G.
Other names: c.157A>G (NM_003835.3); c.157A>G, p.Ser53Gly (NM_001081955.3, NM_001165933.2); short protein forms S53G.
Identifiers: ClinVar variation 1025116 (VCV001025116.9), dbSNP rs1443800819, ClinGen allele CA400663533.